The following is an entry in ClinVar:

ClinVar aggregate classification (germline): Uncertain significance (1 of 4 stars; one submission).

Submission:

GeneDx
Classification: Uncertain significance. Last evaluated: 2026-06-05. Review status: criteria provided, single submitter. Criteria: GeneDx Variant Classification Process June 2021. Collection method: clinical testing. Allele origin: germline.
Comment: Not observed at significant frequency in large population cohorts (gnomAD); In silico analysis suggests that this missense variant does not alter protein structure/function; Has not been previously published as pathogenic or benign to our knowledge

NM_001372044.2(SHANK3):c.5039C>T (p.Pro1680Leu)

Gene: SHANK3 (SH3 and multiple ankyrin repeat domains 3; plus strand). Cytogenetic location: 22q13.33.
Variant type: single nucleotide variant.
Coding change: c.5039C>T on transcript NM_001372044.2 (MANE Select); coding-DNA position 5039, C replaced by T.
Protein change: p.Pro1680Leu; replaces proline 1680 with leucine.
Molecular consequence: missense variant.
Genome position (GRCh38, 1-based): chr22:50,730,930, C>T. VCF-style: chr22-50730930-C-T. GRCh37 (hg19) VCF-style: chr22-51169358-C-T.
Other names: c.4814C>T (NM_033517.1); short protein forms P1680L.
Identifiers: ClinVar variation 3365876 (VCV003365876.2).
Genomic context (GRCh38, chr22:50,730,930, plus strand): 5'-AGCGGGTGGAGGGGCTGGGGGCGGGCGCGGGGGGCGCAGGGCGGCCCTTCGGCCTCACGC[C>T]CCCCACCATCCTCAAGTCGTCCAGCCTCTCCATCCCGCACGAGCCCAAGGAGGTGCGCTT-3'
Protein context (NP_001358973.1, residues 1670-1690): GGAGRPFGLT[Pro1680Leu]PTILKSSSLS